The following is an entry in ClinVar:

NM_001163809.2(WDR81):c.5351T>C (p.Leu1784Pro)

Gene: WDR81 (WD repeat domain 81; plus strand). Cytogenetic location: 17p13.3.
Variant type: single nucleotide variant.
Coding change: c.5351T>C on transcript NM_001163809.2 (MANE Select); coding-DNA position 5351, T replaced by C.
Protein change: p.Leu1784Pro; replaces leucine 1784 with proline.
Molecular consequence: missense variant.
Genome position (GRCh38, 1-based): chr17:1,736,064, T>C. VCF-style: chr17-1736064-T-C. GRCh37 (hg19) VCF-style: chr17-1639358-T-C.
Other names: c.1742T>C, p.Leu581Pro (NM_001163673.2); c.1670T>C, p.Leu557Pro (NM_001163811.2); c.2198T>C, p.Leu733Pro (NM_152348.4); short protein forms L557P, L733P, L1784P, L581P.
Identifiers: ClinVar variation 2404170 (VCV002404170.3), dbSNP rs756127869, ClinGen allele CA8273855.

ClinVar aggregate classification (germline): Uncertain significance. Review status: criteria provided, multiple submitters, no conflicts (2 of 4 stars). 2 submissions from 2 submitters: Uncertain significance (2). Last evaluated 2025-01-10.

Conditions:
WDR81-related disorder. Also called: WDR81-related condition.
Inborn genetic diseases. Identifiers: MedGen C0950123, MeSH D030342.

Allele frequency attached by ClinVar (database versions not stated): ExAC 0.00005; gnomAD exomes 0.00005; gnomAD 0.00006; TOPMed 0.00006.
gnomAD v4.1: 76 of 1,600,292 alleles (0.0047%); highest among the groups gnomAD compares: African/African-American, 0.0067%; no homozygotes.

Submissions (2):

PreventionGenetics, part of Exact Sciences
Classification: Uncertain significance for WDR81-related condition. Last evaluated: 2025-01-10. Review status: criteria provided, single submitter. Criteria: ACMG Guidelines, 2015. Collection method: clinical testing. Allele origin: germline.
Comment: The WDR81 c.5351T>C variant is predicted to result in the amino acid substitution p.Leu1784Pro. To our knowledge, this variant has not been reported in the literature. This variant is reported in 0.016% of alleles in individuals of African descent in gnomAD. At this time, the clinical significance of this variant is uncertain due to the absence of conclusive functional and genetic evidence.

Ambry Genetics
Classification: Uncertain significance for Inborn genetic diseases. Last evaluated: 2021-03-25. Review status: criteria provided, single submitter. Criteria: Ambry Variant Classification Scheme 2023. Collection method: clinical testing. Allele origin: germline.
Comment: The c.5351T>C (p.L1784P) alteration is located in exon 9 (coding exon 9) of the WDR81 gene. This alteration results from a T to C substitution at nucleotide position 5351, causing the leucine (L) at amino acid position 1784 to be replaced by a proline (P). The p.L1784P alteration is predicted to be tolerated by in silico analysis. Based on insufficient or conflicting evidence, the clinical significance of this alteration remains unclear.